The following is an entry in ClinVar:

NM_016004.5(IFT52):c.104A>G (p.Asn35Ser)

Gene: IFT52 (intraflagellar transport 52; plus strand). Cytogenetic location: 20q13.12.
Variant type: single nucleotide variant.
Coding change: c.104A>G on transcript NM_016004.5 (MANE Select); coding-DNA position 104, A replaced by G.
Protein change: p.Asn35Ser; replaces asparagine 35 with serine.
Molecular consequence: missense variant. On other transcripts: 5 prime UTR variant (4).
Genome position (GRCh38, 1-based): chr20:43,594,802, A>G. VCF-style: chr20-43594802-A-G. GRCh37 (hg19) VCF-style: chr20-42223442-A-G.
Other names: c.104A>G, p.Asn35Ser (NM_001303458.3, NM_001303459.3); c.-568A>G (NM_001323578.2, NM_001323580.2); c.-661A>G (NM_001323579.2, NM_001323581.2); short protein forms N35S.
Identifiers: ClinVar variation 1386108 (VCV001386108.8), dbSNP rs567232435, ClinGen allele CA9866760.
Genomic context (GRCh38, chr20:43,594,802, plus strand): 5'-AAAAGGAGATATTTACCACCAACAATGGCTACAAATCCATGCAGAAAAAACTTCGGAGTA[A>G]TTGGAAGATTCAGAGGTGACTGACCATGTATATTGTTTTCCCTTCTAAATGATATTGTCC-3'
Protein context (NP_057088.2, residues 25-45): YKSMQKKLRS[Asn35Ser]WKIQSLKDEI

ClinVar aggregate classification (germline): Uncertain significance. Review status: criteria provided, multiple submitters, no conflicts (2 of 4 stars). 2 submissions from 2 submitters: Uncertain significance (2). Last evaluated 2024-10-04.

Allele frequency attached by ClinVar (database versions not stated): TOPMed 0.00002; gnomAD 0.00009; gnomAD exomes 0.00012 and 0.00021; 1000 Genomes Project 0.00020; ExAC 0.00024; 1000 Genomes Project 30x 0.00062.
gnomAD v4.1: 192 of 1,567,538 alleles (0.012%); highest among the groups gnomAD compares: South Asian, 0.2%; no homozygotes.

Submissions (2):

Blueprint Genetics
Classification: Uncertain significance. Last evaluated: 2024-10-04. Review status: criteria provided, single submitter. Criteria: ACMG Guidelines, 2015. Collection method: clinical testing. Allele origin: germline.

Labcorp Genetics (formerly Invitae), Labcorp
Classification: Uncertain significance. Last evaluated: 2023-07-07. Review status: criteria provided, single submitter. Criteria: Invitae Variant Classification Sherloc (09022015). Collection method: clinical testing. Allele origin: germline.
Comment: In summary, the available evidence is currently insufficient to determine the role of this variant in disease. Therefore, it has been classified as a Variant of Uncertain Significance. Advanced modeling of protein sequence and biophysical properties (such as structural, functional, and spatial information, amino acid conservation, physicochemical variation, residue mobility, and thermodynamic stability) performed at Invitae indicates that this missense variant is not expected to disrupt IFT52 protein function. ClinVar contains an entry for this variant (Variation ID: 1386108). This variant has not been reported in the literature in individuals affected with IFT52-related conditions. This variant is present in population databases (rs567232435, gnomAD 0.2%). This sequence change replaces asparagine with serine at codon 35 of the IFT52 protein (p.Asn35Ser). The asparagine residue is moderately conserved and there is a small physicochemical difference between asparagine and serine.